The following is an entry in ClinVar:

NM_003394.4(WNT10B):c.338-1G>C

Gene: WNT10B (Wnt family member 10B; minus strand). Cytogenetic location: 12q13.12.
Variant type: single nucleotide variant.
Coding change: c.338-1G>C on transcript NM_003394.4 (MANE Select); the canonical splice acceptor site of the intron before coding-DNA position 338, G replaced by C.
Molecular consequence: splice acceptor variant.
Genome position (GRCh38, 1-based): chr12:48,968,320, C>G on the plus strand (G>C on the coding strand, the complement: WNT10B is on the minus strand). VCF-style: chr12-48968320-C-G. GRCh37 (hg19) VCF-style: chr12-49362103-C-G.
Identifiers: ClinVar variation 545118 (VCV000545118.7), dbSNP rs1163162816, ClinGen allele CA384678851.

ClinVar aggregate classification (germline): Pathogenic/Likely pathogenic. Review status: criteria provided, multiple submitters, no conflicts (2 of 4 stars). 4 submissions from 4 submitters: Pathogenic (2); Likely pathogenic (1). 1 of the submissions does not count toward it. Last evaluated 2024-03-17.

Conditions:
Split hand-foot malformation 6. Also called: ECTRODACTYLY, AUTOSOMAL RECESSIVE. Identifiers: Orphanet 2440, MedGen C2749665, MONDO:0009157, OMIM 225300.

Submissions (4):

Genomic Medicine Center of Excellence, King Faisal Specialist Hospital and Research Centre
Classification: Pathogenic for Split hand-foot malformation 6. Last evaluated: 2024-03-17. Review status: criteria provided, single submitter. Criteria: ACMG Guidelines, 2015. Collection method: research. Allele origin: germline.

Baylor Genetics
Classification: Pathogenic for Split hand-foot malformation 6. Last evaluated: 2020-01-17. Review status: criteria provided, single submitter. Criteria: ACMG Guidelines, 2015. Collection method: clinical testing. Allele origin: unknown. Affected: yes.
Comment: This variant was determined to be pathogenic according to ACMG Guidelines, 2015 [PMID:25741868].

Molecular Pathology and Genetics, King Abdulaziz Medical City, Ministry of National Guard - Health Affairs
Classification: Likely pathogenic for Split hand-foot malformation 6. Last evaluated: 2019-06-30. Review status: criteria provided, single submitter. Criteria: ACMG Guidelines, 2015. Collection method: clinical testing. Allele origin: germline. Inheritance: Autosomal recessive inheritance. Affected: yes. Observed: 1 homozygote.
Comment: More clinical presentation will be seen in accepted publication for Al Ghamdi et al. 2019.

Biochemical Molecular Genetic Laboratory, King Abdulaziz Medical City
Classification: Likely pathogenic for Split hand-foot malformation 6. Last evaluated: 2017-12-05. Review status: no assertion criteria provided. Collection method: clinical testing. Allele origin: germline. Affected: yes. Not counted in ClinVar's aggregate classification.